The following is an entry in ClinVar:

NM_001110556.2(FLNA):c.5239_5250del (p.Ser1747_Pro1750del)

Gene: FLNA (filamin A; minus strand). Cytogenetic location: Xq28.
Variant type: Deletion.
Coding change: c.5239_5250del on transcript NM_001110556.2 (MANE Select); coding-DNA positions 5239 to 5250, 12 bases deleted (TCGGTGCAGCCC).
Protein change: p.Ser1747_Pro1750del.
Molecular consequence: inframe deletion.
Genome position (GRCh38, 1-based): chrX:154,354,679-154,354,690, GGGCTGCACCGA deleted on the plus strand (TCGGTGCAGCCC on the coding strand, the reverse complement: FLNA is on the minus strand); deleting any 12 consecutive bases within chrX:154,354,679-154,354,696 gives the same sequence; the c. name uses the placement nearest the transcript's 3' end. VCF-style (leftmost placement, unchanged base first): chrX-154354678-GGGGCTGCACCGA-G. GRCh37 (hg19) VCF-style: chrX-153583046-GGGGCTGCACCGA-G.
Other names: c.5215_5226del, p.Ser1739_Pro1742del (NM_001456.4); c.5239_5250del12 (NM_001110556.2).
Identifiers: ClinVar variation 1373837 (VCV001373837.10), dbSNP rs1374504437, ClinGen allele CA873340945.

ClinVar aggregate classification (germline): Uncertain significance. Review status: criteria provided, multiple submitters, no conflicts (2 of 4 stars). 2 submissions from 2 submitters: Uncertain significance (2). Last evaluated 2025-12-08.

Conditions:
Heterotopia, periventricular, X-linked dominant (PVNH1). Also called: PERIVENTRICULAR NODULAR HETEROTOPIA 4; HETEROTOPIA, PERIVENTRICULAR, 1; PERIVENTRICULAR NODULAR HETEROTOPIA 1; X-linked periventricular heterotopia. Identifiers: Orphanet 2149, Orphanet 82004, MedGen C1848213, MONDO:0010233, OMIM 300049.
Melnick-Needles syndrome (MNS). Also called: MELNICK-NEEDLES OSTEODYSPLASTY; OSTEODYSPLASTY OF MELNICK AND NEEDLES; Melnick-Needles Syndrome (FLNA-MNS). Identifiers: Orphanet 2484, MedGen C0025237, MONDO:0010650, OMIM 309350.
Frontometaphyseal dysplasia (FMD1). Identifiers: Orphanet 1826, MedGen C0265293, MONDO:0015942.
Oto-palato-digital syndrome, type II (OPD2). Also called: FACIOPALATOOSSEOUS SYNDROME; OPD II SYNDROME; Otopalatodigital Syndrome, Type II; Otopalatodigital Syndrome Type 2 (FLNA-OPD2). Identifiers: Orphanet 669, Orphanet 90652, MedGen C1844696, MONDO:0010571, OMIM 304120.

Submissions (2):

Labcorp Genetics (formerly Invitae), Labcorp
Classification: Uncertain significance for Oto-palato-digital syndrome, type II; Heterotopia, periventricular, X-linked dominant; Frontometaphyseal dysplasia; Melnick-Needles syndrome. Last evaluated: 2025-12-08. Review status: criteria provided, single submitter. Criteria: Invitae Variant Classification Sherloc (09022015). Collection method: clinical testing. Allele origin: germline.
Comment: This variant, c.5215_5226del, results in the deletion of 4 amino acid(s) of the FLNA protein (p.Ser1739_Pro1742del), but otherwise preserves the integrity of the reading frame. This variant is not present in population databases (gnomAD no frequency). This variant has not been reported in the literature in individuals affected with FLNA-related conditions. ClinVar contains an entry for this variant (Variation ID: 1373837). Experimental studies and prediction algorithms are not available or were not evaluated, and the functional significance of this variant is currently unknown. In summary, the available evidence is currently insufficient to determine the role of this variant in disease. Therefore, it has been classified as a Variant of Uncertain Significance.

Women's Health and Genetics/Laboratory Corporation of America, LabCorp
Classification: Uncertain significance. Last evaluated: 2025-04-25. Review status: criteria provided, single submitter. Criteria: LabCorp Variant Classification Summary - May 2015. Collection method: clinical testing. Allele origin: germline.
Comment: Variant summary: FLNA c.5239_5250del12 (p.Ser1747_Pro1750del) results in an in-frame deletion that is predicted to remove *** amino acids from the encoded protein. The variant was absent in 166980 control chromosomes. The available data on variant occurrences in the general population are insufficient to allow any conclusion about variant significance. To our knowledge, no occurrence of c.5239_5250del12 in individuals affected with Periventricular Nodular Heterotopia 1 and no experimental evidence demonstrating its impact on protein function have been reported. ClinVar contains an entry for this variant (Variation ID: 1373837). Based on the evidence outlined above, the variant was classified as uncertain significance.